The following is an entry in ClinVar:

ClinVar aggregate classification (germline): Likely pathogenic (1 of 4 stars; one submission).

Submission:

GeneDx
Classification: Likely pathogenic. Last evaluated: 2018-12-06. Review status: criteria provided, single submitter. Criteria: GeneDx Variant Classification (06012015). Collection method: clinical testing. Allele origin: germline. Affected: yes.
Comment: The c.482_483delCA variant in the TLK2 gene has not been reported previously as a pathogenic variant nor as a benign variant, to our knowledge. The c.482_483delCA variant causes a frameshift starting with codon Threonine 161, changes this amino acid to an Arginine residue, and creates a premature Stop codon at position 63 of the new reading frame, denoted p.Thr161ArgfsX63. This variant is predicted to cause loss of normal protein function either through protein truncation or nonsense-mediated mRNA decay. The c.482_483delCA variant is not observed in large population cohorts (Lek et al., 2016). We interpret c.482_483delCA as a likely pathogenic variant.

NM_006852.6(TLK2):c.482_483del (p.Thr161fs)

Gene: TLK2 (tousled like kinase 2; plus strand). Cytogenetic location: 17q23.2.
Variant type: Microsatellite.
Coding change: c.482_483del on transcript NM_006852.6 (MANE Select); coding-DNA positions 482 to 483, 2 bases deleted (CA; older notation c.482_483delCA).
Protein change: p.Thr161fs; shifts the reading frame from threonine 161.
Molecular consequence: frameshift variant.
Genome position (GRCh38, 1-based): chr17:62,536,288-62,536,289, CA deleted; deleting any 2 consecutive bases within chr17:62,536,285-62,536,289 gives the same sequence; the c. name uses the placement nearest the transcript's 3' end. VCF-style (leftmost placement, unchanged base first): chr17-62536284-GAC-G. GRCh37 (hg19) VCF-style: chr17-60613645-GAC-G.
Other names: c.482_483del, p.Thr161fs (NM_001284333.3, NM_001375270.1, NM_001375271.1); c.386_387del, p.Thr129fs (NM_001284363.1, NM_001375272.1); c.35_36del, p.Thr12fs (NM_001330418.3, NM_001375273.1); c.524_525del, p.Thr175fs (NM_001375269.1); short protein forms T129fs, T161fs, T175fs, T12fs.
Identifiers: ClinVar variation 817908 (VCV000817908.1), dbSNP rs1598432041, ClinGen allele CA915950724.
Genomic context (GRCh38, chr17:62,536,284, plus strand): 5'-ACGGAGGAGCAGTCTGCTCTGCCAACCCTCATGTCAGTGATGCTAGCAAAACCTCGGCTT[GAC>G]ACAGAGCAGCTGGCGCAAAGGGGAGCTGGCCTCTGCTTCACTTTTGTTTCAGTGAGTACA-3'